The following is an entry in ClinVar:

ClinVar aggregate classification (germline): Pathogenic. Review status: criteria provided, multiple submitters, no conflicts (2 of 4 stars). 2 submissions from 2 submitters: Pathogenic (2). Last evaluated 2020-07-21.

Conditions:
Hereditary cancer-predisposing syndrome. Also called: Hereditary neoplastic syndrome; Tumor predisposition; Neoplastic Syndromes, Hereditary; Hereditary Cancer Syndrome. Identifiers: Orphanet 140162, MedGen C0027672, MeSH D009386, MONDO:0015356.
Multiple endocrine neoplasia, type 1 (MEN1). Also called: MEN I; Endocrine adenomatosis multiple; MEN 1; WERMER SYNDROME; MEA I. Identifiers: Orphanet 652, MedGen C0025267, MeSH D018761, MONDO:0007540, OMIM 131100.

Submissions (2):

Labcorp Genetics (formerly Invitae), Labcorp
Classification: Pathogenic for Multiple endocrine neoplasia, type 1. Last evaluated: 2020-07-21. Review status: criteria provided, single submitter. Criteria: Invitae Variant Classification Sherloc (09022015). Collection method: clinical testing. Allele origin: germline.
Comment: For these reasons, this variant has been classified as Pathogenic. Loss-of-function variants in MEN1 are known to be pathogenic (PMID: 12112656, 17853334). This variant has been observed in individual(s) with MEN1 (PMID: 10598193). ClinVar contains an entry for this variant (Variation ID: 428054). This variant is not present in population databases (ExAC no frequency). This sequence change creates a premature translational stop signal (p.Asp406Glyfs*3) in the MEN1 gene. It is expected to result in an absent or disrupted protein product.

Ambry Genetics
Classification: Pathogenic for Hereditary cancer-predisposing syndrome. Last evaluated: 2015-01-19. Review status: criteria provided, single submitter. Criteria: Ambry Variant Classification Scheme 2023. Collection method: clinical testing. Allele origin: germline.
Comment: The c.1214dupA pathogenic mutation, located in coding exon 8 of the MEN1 gene, results from a duplication of A at nucleotide position 1214, causing a translational frameshift with a predicted alternate stop codon. This alteration was reported (as 1325insA) in a patient with pheochromocytoma associated with hyperparathyroidism, pancreatic islet cell tumor, adrenal cortical hyperplasia, and a family history that includes pancreatic islet cell tumor and rectal leiomyoma (Dackiw et al. Surgery 1999 Dec;126(6):1097-103). In addition to the clinical data presented in the literature, since frameshifts are typically deleterious in nature, this alteration is interpreted as a disease-causing mutation (ACMG Recommendations for Standards for Interpretation and Reporting of Sequence Variations. Revision 2007. Genet Med. 2008;10:294).

Literature cited by the submitters: PubMed 12112656 (cited by Labcorp Genetics (formerly Invitae), Labcorp); PubMed 17853334 (cited by Labcorp Genetics (formerly Invitae), Labcorp); PubMed 10598193 (cited by Labcorp Genetics (formerly Invitae), Labcorp).

NM_001370259.2(MEN1):c.1214dup (p.Asp406fs)

Gene: MEN1 (menin 1; minus strand). Cytogenetic location: 11q13.1.
Variant type: Duplication.
Coding change: c.1214dup on transcript NM_001370259.2 (MANE Select); coding-DNA position 1214, one base duplicated (A; older notation c.1214dupA).
Protein change: p.Asp406fs; shifts the reading frame from aspartic acid 406.
Molecular consequence: frameshift variant.
Genome position (GRCh38, 1-based): chr11:64,805,170, T duplicated on the plus strand (A on the coding strand, the reverse complement: MEN1 is on the minus strand). VCF-style (leftmost placement, unchanged base first): chr11-64805169-C-CT. GRCh37 (hg19) VCF-style: chr11-64572641-C-CT.
Other names: c.1214dupA (NM_130799.2); c.1229dup, p.Asp411fs (NM_000244.4, NM_130800.3, NM_130801.3 and 3 more transcripts); c.1340dup, p.Asp448fs (NM_001370251.2); c.1214dup, p.Asp406fs (NM_001370260.2, NM_001370261.2, NM_130799.3); c.1109dup, p.Asp371fs (NM_001370262.2, NM_001370263.2); short protein forms D406fs, D448fs, D411fs, D371fs.
Identifiers: ClinVar variation 428054 (VCV000428054.15), dbSNP rs1114167513, ClinGen allele CA645369507.
Genomic context (GRCh38, chr11:64,805,169, plus strand): 5'-CTCCTCCCATTTGCAGATGCCGTCGTAGAATCGCAGCAGGTGGGCGAAGCACTCAGGGTC[C>CT]TGGAGGGCGGAACCTTGGCTCTGGGTGCCCTGGACGAGGGGGAAGGGAGGGCACAGATCA-3'